The following is an entry in ClinVar:

ClinVar aggregate classification (germline): Benign. Review status: criteria provided, multiple submitters, no conflicts (2 of 4 stars). 2 submissions from 2 submitters: Benign (2). Last evaluated 2020-07-14.

Allele frequency attached by ClinVar (database versions not stated): 1000 Genomes Project 0.66214; 1000 Genomes Project 30x 0.66443; TOPMed 0.67743; gnomAD 0.67823 and 0.68314.
gnomAD v4.1: 359,404 of 540,514 alleles (66%); highest among the groups gnomAD compares: African/African-American, 74%; 120,186 homozygotes.

Submissions (2):

GeneDx
Classification: Benign. Last evaluated: 2020-07-14. Review status: criteria provided, single submitter. Criteria: GeneDx Variant Classification Process June 2021. Collection method: clinical testing. Allele origin: germline. Affected: yes.
Comment: This variant is associated with the following publications: (PMID: 23569188)

Breakthrough Genomics
Classification: Benign. Review status: criteria provided, single submitter. Criteria: ACMG Guidelines, 2015. Collection method: not provided. Allele origin: germline. Inheritance: Autosomal dominant inheritance. Affected: yes.

NM_025144.4(ALPK1):c.*256C>G

Gene: ALPK1 (alpha kinase 1; plus strand). Cytogenetic location: 4q25.
Variant type: single nucleotide variant.
Coding change: c.*256C>G on transcript NM_025144.4 (MANE Select); 256 bases downstream of the stop codon, C replaced by G.
Molecular consequence: 3 prime UTR variant.
Genome position (GRCh38, 1-based): chr4:112,441,466, C>G. VCF-style: chr4-112441466-C-G. GRCh37 (hg19) VCF-style: chr4-113362622-C-G.
Other names: c.*256C>G (NM_001102406.2, NM_001253884.2).
Identifiers: ClinVar variation 1236964 (VCV001236964.4), dbSNP rs231253, ClinGen allele CA15300490.